The following is an entry in ClinVar:

NM_032436.4(CHAMP1):c.446CTC[1] (p.Pro150del)

Gene: CHAMP1 (chromosome alignment maintaining phosphoprotein 1; plus strand). Cytogenetic location: 13q34.
Variant type: Microsatellite.
Coding change: c.446CTC[1] on transcript NM_032436.4 (MANE Select); one copy of the 3-base unit CTC starting at c.446; the reference has two copies in a row; one copy, 3 bases deleted.
Protein change: p.Pro150del; deletes proline 150.
Molecular consequence: inframe deletion.
Genome position (GRCh38, 1-based): chr13:114,324,291-114,324,293, CTC deleted; deleting any 3 consecutive bases within chr13:114,324,288-114,324,293 gives the same sequence; the position shown is the placement nearest the transcript's 3' end. VCF-style (leftmost placement, unchanged base first): chr13-114324287-ACTC-A. GRCh37 (hg19) VCF-style: chr13-115089762-ACTC-A.
Other names: c.449_451delCTC (NM_001164145.2); c.446CTC[1], p.Pro150del (NM_001164144.3, NM_001164145.3); short protein forms P150del.
Identifiers: ClinVar variation 3025370 (VCV003025370.23), dbSNP rs782437169, ClinGen allele CA7070625.
Genomic context (GRCh38, chr13:114,324,287, plus strand): 5'-GCCCTTTCAATGGAAACACAGAAACTTGGTTCAGTTTTGTCTCCAGAATCGCCAAAACCT[ACTC>A]CTCTTACTCCCCTGGAGCCTCAGAAACCTGGCTCTGTTGTTTCTCCTGAGCTACAGACAC-3'

ClinVar aggregate classification (germline): Likely benign. Review status: criteria provided, multiple submitters, no conflicts (2 of 4 stars). 2 submissions from 2 submitters: Likely benign (2). Last evaluated 2026-03-19.

Conditions:
CHAMP1-related disorder. Also called: CHAMP1-related condition.

Submissions (2):

PreventionGenetics, part of Exact Sciences
Classification: Likely benign for CHAMP1-related condition. Last evaluated: 2026-03-19. Review status: criteria provided, single submitter. Criteria: ACMG Guidelines, 2015. Collection method: clinical testing. Allele origin: germline.
Comment: This variant is classified as likely benign based on ACMG/AMP sequence variant interpretation guidelines (Richards et al. 2015 PMID: 25741868, with internal and published modifications).

CeGaT Center for Human Genetics Tuebingen
Classification: Likely benign. Last evaluated: 2023-12-01. Review status: criteria provided, single submitter. Criteria: CeGaT Center For Human Genetics Tuebingen Variant Classification Criteria Version 2. Collection method: clinical testing. Allele origin: germline. Affected: yes. Observed: 1 variant allele.
Comment: CHAMP1: PM4:Supporting, BS2